The following is an entry in ClinVar:

ClinVar aggregate classification (germline): Pathogenic (1 of 4 stars; one submission).

Conditions:
Juvenile polyposis syndrome (JPS). Identifiers: Orphanet 2929, MedGen C0345893, MONDO:0017380, OMIM 174900.

Submission:

Labcorp Genetics (formerly Invitae), Labcorp
Classification: Pathogenic for Juvenile polyposis syndrome. Last evaluated: 2022-02-06. Review status: criteria provided, single submitter. Criteria: Invitae Variant Classification Sherloc (09022015). Collection method: clinical testing. Allele origin: germline.
Comment: For these reasons, this variant has been classified as Pathogenic. This premature translational stop signal has been observed in individual(s) with clinical features of juvenile polyposis syndrome (PMID: 23399955). This variant is not present in population databases (gnomAD no frequency). This sequence change creates a premature translational stop signal (p.Tyr301*) in the SMAD4 gene. It is expected to result in an absent or disrupted protein product. Loss-of-function variants in SMAD4 are known to be pathogenic (PMID: 16152648, 16436638, 22810475).

Literature cited by the submitters: PubMed 23399955; PubMed 16152648; PubMed 16436638; PubMed 22810475.

NM_005359.6(SMAD4):c.902dup (p.Tyr301Ter)

Gene: SMAD4 (SMAD family member 4; plus strand). Cytogenetic location: 18q21.2.
Variant type: Duplication.
Coding change: c.902dup on transcript NM_005359.6 (MANE Select); coding-DNA position 902, one base duplicated (A; older notation c.902dupA).
Protein change: p.Tyr301Ter; replaces tyrosine 301 with a stop codon.
Molecular consequence: nonsense.
Genome position (GRCh38, 1-based): chr18:51,058,454, A duplicated. VCF-style (leftmost placement, unchanged base first): chr18-51058453-T-TA. GRCh37 (hg19) VCF-style: chr18-48584823-T-TA.
Other names: short protein forms Y301*.
Identifiers: ClinVar variation 1457361 (VCV001457361.6), dbSNP rs2144429483, ClinGen allele CA2573155420.